The following is an entry in ClinVar:

NM_019098.5(CNGB3):c.1637T>A (p.Leu546Ter)

Gene: CNGB3 (cyclic nucleotide gated channel subunit beta 3; minus strand). Cytogenetic location: 8q21.3.
Variant type: single nucleotide variant.
Coding change: c.1637T>A on transcript NM_019098.5 (MANE Select); coding-DNA position 1637, T replaced by A.
Protein change: p.Leu546Ter; replaces leucine 546 with a stop codon.
Molecular consequence: nonsense.
Genome position (GRCh38, 1-based): chr8:86,611,613, A>T on the plus strand (T>A on the coding strand, the complement: CNGB3 is on the minus strand). VCF-style: chr8-86611613-A-T. GRCh37 (hg19) VCF-style: chr8-87623841-A-T.
Other names: short protein forms L546*.
Identifiers: ClinVar variation 1386368 (VCV001386368.6), dbSNP rs2131565717, ClinGen allele CA371438540.

ClinVar aggregate classification (germline): Pathogenic (1 of 4 stars; one submission).

Submission:

Labcorp Genetics (formerly Invitae), Labcorp
Classification: Pathogenic. Last evaluated: 2021-03-15. Review status: criteria provided, single submitter. Criteria: Invitae Variant Classification Sherloc (09022015). Collection method: clinical testing. Allele origin: germline.
Comment: This variant is not present in population databases (ExAC no frequency). This sequence change creates a premature translational stop signal (p.Leu546*) in the CNGB3 gene. It is expected to result in an absent or disrupted protein product. Loss-of-function variants in CNGB3 are known to be pathogenic (PMID: 28795510). This variant has not been reported in the literature in individuals with CNGB3-related conditions. For these reasons, this variant has been classified as Pathogenic. Algorithms developed to predict the effect of sequence changes on RNA splicing suggest that this variant may create or strengthen a splice site, but this prediction has not been confirmed by published transcriptional studies.

Literature cited by the submitters: PubMed 28795510.